The following is an entry in ClinVar:

ClinVar aggregate classification (germline): Uncertain significance (1 of 4 stars; one submission).

Conditions:
Intellectual developmental disorder, autosomal dominant 1. Also called: Intellectual disability, autosomal dominant 1; MBD5 Haploinsufficiency. Identifiers: Orphanet 228402, MedGen C1969562, MONDO:0007974, OMIM 156200.

Allele frequency attached by ClinVar (database versions not stated): ExAC 0.00001; gnomAD exomes 0.00002.
gnomAD v4.1: 12 of 1,613,926 alleles (0.00074%); highest among the groups gnomAD compares: East Asian, 0.027%; no homozygotes.

Submission:

Labcorp Genetics (formerly Invitae), Labcorp
Classification: Uncertain significance for Intellectual developmental disorder, autosomal dominant 1. Last evaluated: 2024-09-25. Review status: criteria provided, single submitter. Criteria: Invitae Variant Classification Sherloc (09022015). Collection method: clinical testing. Allele origin: germline.
Comment: This sequence change replaces methionine, which is neutral and non-polar, with isoleucine, which is neutral and non-polar, at codon 675 of the MBD5 protein (p.Met675Ile). This variant is present in population databases (rs758838720, gnomAD 0.03%). This variant has not been reported in the literature in individuals affected with MBD5-related conditions. ClinVar contains an entry for this variant (Variation ID: 2077597). Invitae Evidence Modeling of protein sequence and biophysical properties (such as structural, functional, and spatial information, amino acid conservation, physicochemical variation, residue mobility, and thermodynamic stability) indicates that this missense variant is not expected to disrupt MBD5 protein function with a negative predictive value of 80%. In summary, the available evidence is currently insufficient to determine the role of this variant in disease. Therefore, it has been classified as a Variant of Uncertain Significance.

NM_001378120.1(MBD5):c.2025G>C (p.Met675Ile)

Gene: MBD5 (methyl-CpG binding domain protein 5; plus strand). Cytogenetic location: 2q23.1.
Variant type: single nucleotide variant.
Coding change: c.2025G>C on transcript NM_001378120.1 (MANE Select); coding-DNA position 2025, G replaced by C.
Protein change: p.Met675Ile; replaces methionine 675 with isoleucine.
Molecular consequence: missense variant.
Genome position (GRCh38, 1-based): chr2:148,469,968, G>C. VCF-style: chr2-148469968-G-C. GRCh37 (hg19) VCF-style: chr2-149227537-G-C.
Other names: c.2025G>C, p.Met675Ile (NM_018328.5); short protein forms M675I.
Identifiers: ClinVar variation 2077597 (VCV002077597.4), dbSNP rs758838720, ClinGen allele CA1900090.